The following is an entry in ClinVar:

NM_153717.3(EVC):c.1940G>C (p.Arg647Pro)

Gene: EVC (EvC ciliary complex subunit 1; plus strand). Cytogenetic location: 4p16.2.
Variant type: single nucleotide variant.
Coding change: c.1940G>C on transcript NM_153717.3 (MANE Select); coding-DNA position 1940, G replaced by C.
Protein change: p.Arg647Pro; replaces arginine 647 with proline.
Molecular consequence: missense variant.
Genome position (GRCh38, 1-based): chr4:5,797,075, G>C. VCF-style: chr4-5797075-G-C. GRCh37 (hg19) VCF-style: chr4-5798802-G-C.
Other names: c.1940G>C (NM_153717.2); c.1940G>C, p.Arg647Pro (NM_001306090.2); short protein forms R647P.
Identifiers: ClinVar variation 1495787 (VCV001495787.5), dbSNP rs35401386, ClinGen allele CA356143789.

ClinVar aggregate classification (germline): Uncertain significance. Review status: criteria provided, multiple submitters, no conflicts (2 of 4 stars). 2 submissions from 2 submitters: Uncertain significance (2). Last evaluated 2022-07-12.

Conditions:
Ellis-van Creveld syndrome (EVC). Also called: Chondroectodermal dysplasia; EVC-Related Ellis-van Creveld Syndrome; EVC2-Related Ellis-van Creveld Syndrome; MESOECTODERMAL DYSPLASIA. Identifiers: Orphanet 289, MedGen C0013903, MONDO:0009162, OMIM 225500.
Curry-Hall syndrome (WAD). Also called: WEYERS ACRODENTAL DYSOSTOSIS. Identifiers: Orphanet 952, MedGen C0457013, MONDO:0008673, OMIM 193530.
Inborn genetic diseases. Identifiers: MedGen C0950123, MeSH D030342.

gnomAD v4.1: 14 of 1,613,412 alleles (0.00087%); highest among the groups gnomAD compares: Non-Finnish European, 0.0012%; no homozygotes.

Submissions (2):

Labcorp Genetics (formerly Invitae), Labcorp
Classification: Uncertain significance for Curry-Hall syndrome; Ellis-van Creveld syndrome. Last evaluated: 2022-07-12. Review status: criteria provided, single submitter. Criteria: Invitae Variant Classification Sherloc (09022015). Collection method: clinical testing. Allele origin: germline.
Comment: This sequence change replaces arginine, which is basic and polar, with proline, which is neutral and non-polar, at codon 647 of the EVC protein (p.Arg647Pro). This variant is present in population databases (no rsID available, gnomAD 0.002%). This variant has not been reported in the literature in individuals affected with EVC-related conditions. ClinVar contains an entry for this variant (Variation ID: 1495787). Algorithms developed to predict the effect of missense changes on protein structure and function are either unavailable or do not agree on the potential impact of this missense change (SIFT: "Deleterious"; PolyPhen-2: "Probably Damaging"; Align-GVGD: "Class C0"). In summary, the available evidence is currently insufficient to determine the role of this variant in disease. Therefore, it has been classified as a Variant of Uncertain Significance.

Ambry Genetics
Classification: Uncertain significance for Inborn genetic diseases. Last evaluated: 2021-06-22. Review status: criteria provided, single submitter. Criteria: Ambry Variant Classification Scheme 2023. Collection method: clinical testing. Allele origin: germline.